The following is an entry in ClinVar:

ClinVar aggregate classification (germline): Uncertain significance (1 of 4 stars; one submission).

Allele frequency attached by ClinVar (database versions not stated): gnomAD exomes below 0.00001.
gnomAD v4.1: 5 of 1,613,228 alleles (0.00031%); highest among the groups gnomAD compares: Non-Finnish European, 0.00034%; no homozygotes.

Submission:

Labcorp Genetics (formerly Invitae), Labcorp
Classification: Uncertain significance. Last evaluated: 2024-10-29. Review status: criteria provided, single submitter. Criteria: Invitae Variant Classification Sherloc (09022015). Collection method: clinical testing. Allele origin: germline.
Comment: This sequence change replaces alanine, which is neutral and non-polar, with valine, which is neutral and non-polar, at codon 999 of the ZNF335 protein (p.Ala999Val). This variant is present in population databases (no rsID available, gnomAD 0.003%). This variant has not been reported in the literature in individuals affected with ZNF335-related conditions. ClinVar contains an entry for this variant (Variation ID: 2998079). Invitae Evidence Modeling of protein sequence and biophysical properties (such as structural, functional, and spatial information, amino acid conservation, physicochemical variation, residue mobility, and thermodynamic stability) indicates that this missense variant is not expected to disrupt ZNF335 protein function with a negative predictive value of 80%. In summary, the available evidence is currently insufficient to determine the role of this variant in disease. Therefore, it has been classified as a Variant of Uncertain Significance.

NM_022095.4(ZNF335):c.2996C>T (p.Ala999Val)

Gene: ZNF335 (zinc finger protein 335; minus strand). Cytogenetic location: 20q13.12.
Variant type: single nucleotide variant.
Coding change: c.2996C>T on transcript NM_022095.4 (MANE Select); coding-DNA position 2996, C replaced by T.
Protein change: p.Ala999Val; replaces alanine 999 with valine.
Molecular consequence: missense variant.
Genome position (GRCh38, 1-based): chr20:45,952,340, G>A on the plus strand (C>T on the coding strand, the complement: ZNF335 is on the minus strand). VCF-style: chr20-45952340-G-A. GRCh37 (hg19) VCF-style: chr20-44580979-G-A.
Other names: short protein forms A999V.
Identifiers: ClinVar variation 2998079 (VCV002998079.3), dbSNP rs1405238049, ClinGen allele CA409237752.
Genomic context (GRCh38, chr20:45,952,340, plus strand): 5'-AACTTCTTTGATGCAGCAGTGGCTGCAGATGGCGGTGACGGGGGCACTGCCAGGCCCAGG[G>A]CTTTGCTGGTTGCAGGAGGTGAGGAGGCAGAGCTCTGGGAGTCCCCTACGCAGTGGGTCT-3'
Protein context (NP_071378.1, residues 989-1009): SASSPPATSK[Ala999Val]LGLAVPPSPP